The following is an entry in ClinVar:

ClinVar aggregate classification (germline): Uncertain significance (1 of 4 stars; one submission).

Submission:

GeneDx
Classification: Uncertain significance. Last evaluated: 2024-08-21. Review status: criteria provided, single submitter. Criteria: GeneDx Variant Classification Process June 2021. Collection method: clinical testing. Allele origin: germline. Affected: yes.
Comment: Not observed at significant frequency in large population cohorts (gnomAD); In silico analysis supports that this missense variant has a deleterious effect on protein structure/function; Has not been previously published as pathogenic or benign to our knowledge

NM_000875.5(IGF1R):c.3132G>C (p.Arg1044Ser)

Gene: IGF1R (insulin like growth factor 1 receptor; plus strand). Cytogenetic location: 15q26.3.
Variant type: single nucleotide variant.
Coding change: c.3132G>C on transcript NM_000875.5 (MANE Select); coding-DNA position 3132, G replaced by C.
Protein change: p.Arg1044Ser; replaces arginine 1044 with serine.
Molecular consequence: missense variant.
Genome position (GRCh38, 1-based): chr15:98,934,999, G>C. VCF-style: chr15-98934999-G-C. GRCh37 (hg19) VCF-style: chr15-99478228-G-C.
Other names: c.3129G>C, p.Arg1043Ser (NM_001291858.2); short protein forms R1043S, R1044S.
Identifiers: ClinVar variation 3766188 (VCV003766188.1).